The following is an entry in ClinVar:

ClinVar aggregate classification (germline): Conflicting classifications of pathogenicity. Review status: criteria provided, conflicting classifications (1 of 4 stars). 9 submissions from 7 submitters: Uncertain significance (6); Benign (1); Likely benign (2). Last evaluated 2025-10-30.

Conditions:
Cardiovascular phenotype. Identifiers: MedGen CN230736.
Myosin storage myopathy (CMYO7A). Also called: MYOPATHY WITH LYSIS OF TYPE I MYOFIBRILS; MYOPATHY, HYALINE BODY, AUTOSOMAL DOMINANT; MYH7-related late-onset scapuloperoneal muscular dystrophy; Congenital myopathy 7A, myosin storage, autosomal dominant; SCAPULOPERONEAL MUSCULAR DYSTROPHY; SCAPULOPERONEAL SYNDROME, MYOPATHIC TYPE. Identifiers: Orphanet 437572, Orphanet 636965, MedGen C1842160, MONDO:0008409, OMIM 608358.
Cardiomyopathy (CMYO). Also called: Cardiomyopathies. Identifiers: Orphanet 167848, MedGen C0878544, MONDO:0004994, HP:0001638. Inheritance: Various modes of inheritance.
Hypertrophic cardiomyopathy 1 (CMH1). Also called: MYH7-Related Familial Hypertrophic Cardiomyopathy; Familial hypertrophic cardiomyopathy 1. Identifiers: MedGen C3495498, MONDO:0008647, OMIM 192600.
MYH7-related skeletal myopathy. Also called: Laing distal myopathy; Laing early-onset distal myopathy; Myopathy, distal, 1; MYOPATHY, DISTAL, EARLY-ONSET, AUTOSOMAL DOMINANT; MYOPATHY, LATE DISTAL HEREDITARY. Identifiers: Orphanet 59135, MedGen C4552004, MONDO:0008050, OMIM 160500.
Hypertrophic cardiomyopathy. Also called: HYPERTROPHIC MYOCARDIOPATHY. Identifiers: Orphanet 217569, MedGen C0007194, MeSH D002312, MONDO:0005045, HP:0001639.

Allele frequency attached by ClinVar (database versions not stated): gnomAD 0.00001 and 0.00003; ExAC 0.00003; TOPMed 0.00004; 1000 Genomes Project 30x 0.00031; 1000 Genomes Project 0.00040.
gnomAD v4.1: 31 of 1,614,074 alleles (0.0019%); highest among the groups gnomAD compares: East Asian, 0.051%; no homozygotes.

Submissions (9):

Mayo Clinic Laboratories, Mayo Clinic
Classification: Likely benign. Last evaluated: 2025-10-30. Review status: criteria provided, single submitter. Criteria: ACMG Guidelines, 2015. Collection method: clinical testing. Allele origin: germline. Observed: 1 variant allele.
Comment: BS1

Color Diagnostics, LLC DBA Color Health
Classification: Uncertain significance for Cardiomyopathy. Last evaluated: 2024-07-26. Review status: criteria provided, single submitter. Criteria: ACMG Guidelines, 2015. Collection method: clinical testing. Allele origin: germline.
Comment: This missense variant replaces glutamine with histidine at codon 1267 of the MYH7 protein. Computational prediction tools indicate that this variant's impact on protein structure and function is inconclusive. To our knowledge, functional studies have not been reported for this variant. This variant has been reported in individuals affected with congenital heart disease (PMID: 35993536). This variant has been identified in 15/282846 chromosomes in the general population by the Genome Aggregation Database (gnomAD). The available evidence is insufficient to determine the role of this variant in disease conclusively. Therefore, this variant is classified as a Variant of Uncertain Significance.

Labcorp Genetics (formerly Invitae), Labcorp
Classification: Uncertain significance for Hypertrophic cardiomyopathy. Last evaluated: 2024-02-22. Review status: criteria provided, single submitter. Criteria: Invitae Variant Classification Sherloc (09022015). Collection method: clinical testing. Allele origin: germline.
Comment: This sequence change replaces glutamine, which is neutral and polar, with histidine, which is basic and polar, at codon 1267 of the MYH7 protein (p.Gln1267His). This variant is present in population databases (rs200000290, gnomAD 0.07%). This variant has not been reported in the literature in individuals affected with MYH7-related conditions. ClinVar contains an entry for this variant (Variation ID: 454370). Advanced modeling of protein sequence and biophysical properties (such as structural, functional, and spatial information, amino acid conservation, physicochemical variation, residue mobility, and thermodynamic stability) performed at Invitae indicates that this missense variant is expected to disrupt MYH7 protein function with a positive predictive value of 95%. In summary, the available evidence is currently insufficient to determine the role of this variant in disease. Therefore, it has been classified as a Variant of Uncertain Significance.

All of Us Research Program, National Institutes of Health
Classification: Uncertain significance for Cardiomyopathy. Last evaluated: 2023-12-13. Review status: criteria provided, single submitter. Criteria: ACMG Guidelines, 2015. Collection method: clinical testing. Allele origin: germline. Inheritance: Autosomal dominant inheritance. Observed: 4 variant alleles, 4 heterozygotes.
Comment: This missense variant replaces glutamine with histidine at codon 1267 of the MYH7 protein. Computational prediction is inconclusive regarding the impact of this variant on protein structure and function (internally defined REVEL score threshold 0.5 < inconclusive < 0.7, PMID: 27666373). To our knowledge, functional studies have not been reported for this variant. This variant has not been reported in individuals affected with MYH7-related disorders in the literature. This variant has been identified in 15/282846 chromosomes in the general population by the Genome Aggregation Database (gnomAD). The available evidence is insufficient to determine the role of this variant in disease conclusively. Therefore, this variant is classified as a Variant of Uncertain Significance.

This study involves interpretation of variants in research participants for the purpose of population health screening. Participant phenotype was not available at the time of variant classification. Additional details can be found in publication PMID: 35346344, PMCID: PMC8962531

Ambry Genetics
Classification: Likely benign for Cardiovascular phenotype. Last evaluated: 2023-03-31. Review status: criteria provided, single submitter. Criteria: Ambry Variant Classification Scheme 2023. Collection method: clinical testing. Allele origin: germline.

Revvity Omics, Revvity
Classification: Uncertain significance. Last evaluated: 2021-03-15. Review status: criteria provided, single submitter. Criteria: ACMG Guidelines, 2015. Collection method: clinical testing. Allele origin: germline.

Illumina Laboratory Services, Illumina
Classification: Uncertain significance for Myosin storage myopathy. Last evaluated: 2018-04-20. Review status: criteria provided, single submitter. Criteria: ICSL Variant Classification Criteria 13 December 2019. Collection method: clinical testing. Allele origin: germline.

Illumina Laboratory Services, Illumina
Classification: Benign for MYH7-related skeletal myopathy. Last evaluated: 2018-04-20. Review status: criteria provided, single submitter. Criteria: ICSL Variant Classification Criteria 13 December 2019. Collection method: clinical testing. Allele origin: germline.
Comment: This variant was observed in the ICSL laboratory as part of a predisposition screen in an ostensibly healthy population. It had not been previously curated by ICSL or reported in the Human Gene Mutation Database (HGMD: prior to June 1st, 2018), and was therefore a candidate for classification through an automated scoring system. Utilizing variant allele frequency, disease prevalence and penetrance estimates, and inheritance mode, an automated score was calculated to assess if this variant is too frequent to cause the disease. Based on the score and internal cut-off values, a variant classified as benign is not then subjected to further curation. The score for this variant resulted in a classification of benign for this disease.

Illumina Laboratory Services, Illumina
Classification: Uncertain significance for Hypertrophic cardiomyopathy 1. Last evaluated: 2018-04-20. Review status: criteria provided, single submitter. Criteria: ICSL Variant Classification Criteria 13 December 2019. Collection method: clinical testing. Allele origin: germline.

Literature cited by the submitters: PubMed 27247418 (cited by Mayo Clinic Laboratories, Mayo Clinic and Ambry Genetics); PubMed 34542152 (cited by Mayo Clinic Laboratories, Mayo Clinic); PubMed 35026164 (cited by Mayo Clinic Laboratories, Mayo Clinic and Ambry Genetics); PubMed 35993536 (cited by Mayo Clinic Laboratories, Mayo Clinic and Color Diagnostics, LLC DBA Color Health).

NM_000257.4(MYH7):c.3801G>C (p.Gln1267His)

Gene: MYH7 (myosin heavy chain 7; minus strand). Cytogenetic location: 14q11.2.
Variant type: single nucleotide variant.
Coding change: c.3801G>C on transcript NM_000257.4 (MANE Select); coding-DNA position 3801, G replaced by C.
Protein change: p.Gln1267His; replaces glutamine 1267 with histidine.
Molecular consequence: missense variant.
Genome position (GRCh38, 1-based): chr14:23,419,535, C>G on the plus strand (G>C on the coding strand, the complement: MYH7 is on the minus strand). VCF-style: chr14-23419535-C-G. GRCh37 (hg19) VCF-style: chr14-23888744-C-G.
Other names: p.Gln1267His; short protein forms Q1267H.
Identifiers: ClinVar variation 454370 (VCV000454370.26), dbSNP rs200000290, ClinGen allele CA038976.